The following is an entry in ClinVar:

ClinVar aggregate classification (germline): Uncertain significance. Review status: criteria provided, multiple submitters, no conflicts (2 of 4 stars). 3 submissions from 3 submitters: Uncertain significance (3). Last evaluated 2024-04-06.

Conditions:
Cardiovascular phenotype. Identifiers: MedGen CN230736.
Legius syndrome. Identifiers: Orphanet 137605, MedGen C1969623, MONDO:0012669, OMIM 611431. Disease mechanism: loss of function.

Allele frequency attached by ClinVar (database versions not stated): gnomAD exomes below 0.00001.
gnomAD v4.1: 1 of 1,613,946 alleles (0.000062%); highest among the groups gnomAD compares: Non-Finnish European, 0.000085%; no homozygotes.

Submissions (3):

Labcorp Genetics (formerly Invitae), Labcorp
Classification: Uncertain significance for Legius syndrome. Last evaluated: 2024-04-06. Review status: criteria provided, single submitter. Criteria: Invitae Variant Classification Sherloc (09022015). Collection method: clinical testing. Allele origin: germline.
Comment: This sequence change replaces glutamic acid, which is acidic and polar, with aspartic acid, which is acidic and polar, at codon 63 of the SPRED1 protein (p.Glu63Asp). This variant is not present in population databases (gnomAD no frequency). This variant has not been reported in the literature in individuals affected with SPRED1-related conditions. ClinVar contains an entry for this variant (Variation ID: 1683403). Advanced modeling of protein sequence and biophysical properties (such as structural, functional, and spatial information, amino acid conservation, physicochemical variation, residue mobility, and thermodynamic stability) performed at Invitae indicates that this missense variant is expected to disrupt SPRED1 protein function with a positive predictive value of 80%. In summary, the available evidence is currently insufficient to determine the role of this variant in disease. Therefore, it has been classified as a Variant of Uncertain Significance.

Ambry Genetics
Classification: Uncertain significance for Cardiovascular phenotype. Last evaluated: 2023-09-25. Review status: criteria provided, single submitter. Criteria: Ambry Variant Classification Scheme 2023. Collection method: clinical testing. Allele origin: germline.
Comment: The p.E63D variant (also known as c.189G>C), located in coding exon 2 of the SPRED1 gene, results from a G to C substitution at nucleotide position 189. The glutamic acid at codon 63 is replaced by aspartic acid, an amino acid with highly similar properties. This amino acid position is conserved. In addition, this alteration is predicted to be deleterious by in silico analysis. Since supporting evidence is limited at this time, the clinical significance of this alteration remains unclear.

Women's Health and Genetics/Laboratory Corporation of America, LabCorp
Classification: Uncertain significance. Last evaluated: 2022-04-11. Review status: criteria provided, single submitter. Criteria: LabCorp Variant Classification Summary - May 2015. Collection method: clinical testing. Allele origin: germline.
Comment: Variant summary: SPRED1 c.189G>C (p.Glu63Asp) results in a conservative amino acid change located in the WH1/EVH1 domain of the encoded protein sequence. Four of five in-silico tools predict a damaging effect of the variant on protein function. The variant was absent in 251050 control chromosomes. The available data on variant occurrences in the general population are insufficient to allow any conclusion about variant significance. To our knowledge, no occurrence of c.189G>C in individuals affected with Neurofibromatosis Type 1-Like Syndrome (Legius Syndrome) and no experimental evidence demonstrating its impact on protein function have been reported. No clinical diagnostic laboratories have submitted clinical-significance assessments for this variant to ClinVar after 2014. Based on the evidence outlined above, the variant was classified as uncertain significance.

NM_152594.3(SPRED1):c.189G>C (p.Glu63Asp)

Gene: SPRED1 (sprouty related EVH1 domain containing 1; plus strand). Cytogenetic location: 15q14.
Variant type: single nucleotide variant.
Coding change: c.189G>C on transcript NM_152594.3 (MANE Select); coding-DNA position 189, G replaced by C.
Protein change: p.Glu63Asp; replaces glutamic acid 63 with aspartic acid.
Molecular consequence: missense variant.
Genome position (GRCh38, 1-based): chr15:38,299,529, G>C. VCF-style: chr15-38299529-G-C. GRCh37 (hg19) VCF-style: chr15-38591730-G-C.
Other names: short protein forms E63D.
Identifiers: ClinVar variation 1683403 (VCV001683403.4), dbSNP rs2140978555, ClinGen allele CA391934531.
Genomic context (GRCh38, chr15:38,299,529, plus strand): 5'-TGTCTTCAAAGTCCCTCATCAGGAAGAGAATGGCTGTGCTGACTTTTTTATCCGTGGAGA[G>C]CGACTCAGGGACAAAATGGTAATGAATAATGTATCTAATACTATAATTTTAGATAATGAA-3'
Protein context (NP_689807.1, residues 53-73): NGCADFFIRG[Glu63Asp]RLRDKMVVLE